The following is an entry in ClinVar:

NM_015450.3(POT1):c.1689C>A (p.Asp563Glu)

Gene: POT1 (protection of telomeres 1; minus strand). Cytogenetic location: 7q31.33.
Variant type: single nucleotide variant.
Coding change: c.1689C>A on transcript NM_015450.3 (MANE Select); coding-DNA position 1689, C replaced by A.
Protein change: p.Asp563Glu; replaces aspartic acid 563 with glutamic acid.
Molecular consequence: missense variant. On other transcripts: non-coding transcript variant (3).
Genome position (GRCh38, 1-based): chr7:124,825,355, G>T on the plus strand (C>A on the coding strand, the complement: POT1 is on the minus strand). VCF-style: chr7-124825355-G-T. GRCh37 (hg19) VCF-style: chr7-124465409-G-T.
Other names: c.1296C>A, p.Asp432Glu (NM_001042594.2); short protein forms D432E, D563E.
Identifiers: ClinVar variation 3663515 (VCV003663515.2).
Genomic context (GRCh38, chr7:124,825,355, plus strand): 5'-CACACTTTTCTGAAGGTCATCATCCATCAGAACTTCTGATGCTGGAATCTGGAAGAATTT[G>T]TCCTTAAAAATGTTTCATGAGAGAAAAAAAAAGGAAATAATATTAATCCTTTTTAATGTT-3'
Protein context (NP_056265.2, residues 553-573): GVLEAYLMDS[Asp563Glu]KFFQIPASEV

ClinVar aggregate classification (germline): Uncertain significance (1 of 4 stars; one submission).

Conditions:
Tumor predisposition syndrome 3 (TPDS3). Also called: Melanoma, cutaneous malignant, susceptibility to, 10; Glioma susceptibility 9; LONG TELOMERE SYNDROME, POT1-RELATED; POT1 Tumor Predisposition. Identifiers: Orphanet 618, MedGen C4014476, MONDO:0014368, OMIM 615848.

Submission:

Labcorp Genetics (formerly Invitae), Labcorp
Classification: Uncertain significance for Tumor predisposition syndrome 3. Last evaluated: 2024-08-27. Review status: criteria provided, single submitter. Criteria: Invitae Variant Classification Sherloc (09022015). Collection method: clinical testing. Allele origin: germline.
Comment: This sequence change replaces aspartic acid, which is acidic and polar, with glutamic acid, which is acidic and polar, at codon 563 of the POT1 protein (p.Asp563Glu). This variant is not present in population databases (gnomAD no frequency). This variant has not been reported in the literature in individuals affected with POT1-related conditions. An algorithm developed to predict the effect of missense changes on protein structure and function outputs the following: PolyPhen-2: "Benign". The glutamic acid amino acid residue is found in multiple mammalian species, which suggests that this missense change does not adversely affect protein function. In summary, the available evidence is currently insufficient to determine the role of this variant in disease. Therefore, it has been classified as a Variant of Uncertain Significance.